The following is an entry in ClinVar:

ClinVar aggregate classification (germline): Uncertain significance (1 of 4 stars; one submission).

Conditions:
Hajdu-Cheney syndrome (HJCYS). Also called: Acroosteolysis dominant type; SERPENTINE FIBULA-POLYCYSTIC KIDNEY SYNDROME; ACROOSTEOLYSIS WITH OSTEOPOROSIS AND CHANGES IN SKULL AND MANDIBLE. Identifiers: Orphanet 955, MedGen C0917715, MONDO:0007057, OMIM 102500.

Submission:

Labcorp Genetics (formerly Invitae), Labcorp
Classification: Uncertain significance for Hajdu-Cheney syndrome. Last evaluated: 2022-08-28. Review status: criteria provided, single submitter. Criteria: Invitae Variant Classification Sherloc (09022015). Collection method: clinical testing. Allele origin: germline.
Comment: In summary, the available evidence is currently insufficient to determine the role of this variant in disease. Therefore, it has been classified as a Variant of Uncertain Significance. Advanced modeling of protein sequence and biophysical properties (such as structural, functional, and spatial information, amino acid conservation, physicochemical variation, residue mobility, and thermodynamic stability) performed at Invitae indicates that this missense variant is not expected to disrupt NOTCH2 protein function. This variant has not been reported in the literature in individuals affected with NOTCH2-related conditions. The frequency data for this variant in the population databases is considered unreliable, as metrics indicate poor data quality at this position in the gnomAD database. This sequence change replaces proline, which is neutral and non-polar, with serine, which is neutral and polar, at codon 1326 of the NOTCH2 protein (p.Pro1326Ser).

NM_024408.4(NOTCH2):c.3976C>T (p.Pro1326Ser)

Gene: NOTCH2 (notch receptor 2; minus strand). Cytogenetic location: 1p12.
Variant type: single nucleotide variant.
Coding change: c.3976C>T on transcript NM_024408.4 (MANE Select); coding-DNA position 3976, C replaced by T.
Protein change: p.Pro1326Ser; replaces proline 1326 with serine.
Molecular consequence: missense variant.
Genome position (GRCh38, 1-based): chr1:119,926,528, G>A on the plus strand (C>T on the coding strand, the complement: NOTCH2 is on the minus strand). VCF-style: chr1-119926528-G-A. GRCh37 (hg19) VCF-style: chr1-120469151-G-A.
Other names: short protein forms P1326S.
Identifiers: ClinVar variation 2202390 (VCV002202390.4), dbSNP rs1373672479, ClinGen allele CA341891809.